The following is an entry in ClinVar:

NM_022051.3(EGLN1):c.821G>C (p.Ser274Thr)

Genes: EGLN1 (egl-9 family hypoxia inducible factor 1; minus strand), LOC129932769 (ATAC-STARR-seq lymphoblastoid active region 2730; plus strand). Cytogenetic location: 1q42.2.
Variant type: single nucleotide variant.
Coding change: c.821G>C on transcript NM_022051.3 (MANE Select); coding-DNA position 821, G replaced by C.
Protein change: p.Ser274Thr; replaces serine 274 with threonine.
Molecular consequence: missense variant.
Genome position (GRCh38, 1-based): chr1:231,421,068, C>G on the plus strand (G>C on the coding strand, the complement: EGLN1 is on the minus strand). VCF-style: chr1-231421068-C-G. GRCh37 (hg19) VCF-style: chr1-231556814-C-G.
Other names: c.821G>C, p.Ser274Thr (NM_001377260.1, NM_001377261.1); short protein forms S274T.
Identifiers: ClinVar variation 4016831 (VCV004016831.1).

ClinVar aggregate classification (germline): Uncertain significance (1 of 4 stars; one submission).

gnomAD v4.1: 2 of 1,614,206 alleles (0.00012%); highest among the groups gnomAD compares: Non-Finnish European, 0.00017%; no homozygotes.

Submission:

Ambry Genetics
Classification: Uncertain significance. Last evaluated: 2025-04-19. Review status: criteria provided, single submitter. Criteria: Ambry Variant Classification Scheme 2023. Collection method: clinical testing. Allele origin: germline.
Comment: The p.S274T variant (also known as c.821G>C), located in coding exon 1 of the EGLN1 gene, results from a G to C substitution at nucleotide position 821. The serine at codon 274 is replaced by threonine, an amino acid with similar properties. This amino acid position is conserved. In addition, this alteration is predicted to be tolerated by in silico analysis. Based on the available evidence, the clinical significance of this variant remains unclear.